The following is an entry in ClinVar:

NM_018089.3(ANKZF1):c.161G>A (p.Arg54Lys)

Gene: ANKZF1 (ankyrin repeat and zinc finger peptidyl tRNA hydrolase 1; plus strand). Cytogenetic location: 2q35.
Variant type: single nucleotide variant.
Coding change: c.161G>A on transcript NM_018089.3 (MANE Select); coding-DNA position 161, G replaced by A.
Protein change: p.Arg54Lys; replaces arginine 54 with lysine.
Molecular consequence: missense variant. On other transcripts: intron variant (1).
Genome position (GRCh38, 1-based): chr2:219,231,940, G>A. VCF-style: chr2-219231940-G-A. GRCh37 (hg19) VCF-style: chr2-220096662-G-A.
Other names: c.161G>A, p.Arg54Lys (NM_001042410.2); c.-266-550G>A (NM_001282792.2); short protein forms R54K.
Identifiers: ClinVar variation 2765709 (VCV002765709.3), dbSNP rs2544911096, ClinGen allele CA350671859.

ClinVar aggregate classification (germline): Uncertain significance (1 of 4 stars; one submission).

gnomAD v4.1: 1 of 1,613,982 alleles (0.000062%); highest among the groups gnomAD compares: South Asian, 0.0011%; no homozygotes.

Submission:

Labcorp Genetics (formerly Invitae), Labcorp
Classification: Uncertain significance. Last evaluated: 2023-10-05. Review status: criteria provided, single submitter. Criteria: Invitae Variant Classification Sherloc (09022015). Collection method: clinical testing. Allele origin: germline.
Comment: This sequence change replaces arginine, which is basic and polar, with lysine, which is basic and polar, at codon 54 of the ANKZF1 protein (p.Arg54Lys). This variant is not present in population databases (gnomAD no frequency). This variant has not been reported in the literature in individuals affected with ANKZF1-related conditions. Algorithms developed to predict the effect of missense changes on protein structure and function output the following: SIFT: "Not Available"; PolyPhen-2: "Benign"; Align-GVGD: "Not Available". The lysine amino acid residue is found in multiple mammalian species, which suggests that this missense change does not adversely affect protein function. In summary, the available evidence is currently insufficient to determine the role of this variant in disease. Therefore, it has been classified as a Variant of Uncertain Significance.